The following is an entry in ClinVar:

ClinVar aggregate classification (germline): Likely benign (0 of 4 stars; one submission).

Conditions:
ZNF407-related disorder. Also called: ZNF407-related condition.

Allele frequency attached by ClinVar (database versions not stated): ESP Exome Variant Server 0.00008; gnomAD exomes 0.00008; ExAC 0.00010; gnomAD 0.00010; TOPMed 0.00011.
gnomAD v4.1: 133 of 1,613,708 alleles (0.0082%); highest among the groups gnomAD compares: Admixed American, 0.025%; no homozygotes.

Submission:

PreventionGenetics, part of Exact Sciences
Classification: Likely benign for ZNF407-related condition. Last evaluated: 2019-08-29. Review status: no assertion criteria provided. Collection method: clinical testing. Allele origin: germline.
Comment: This variant is classified as likely benign based on ACMG/AMP sequence variant interpretation guidelines (Richards et al. 2015 PMID: 25741868, with internal and published modifications).

NM_017757.3(ZNF407):c.96C>T (p.Asp32=)

Gene: ZNF407 (zinc finger protein 407; plus strand). Cytogenetic location: 18q22.3.
Variant type: single nucleotide variant.
Coding change: c.96C>T on transcript NM_017757.3 (MANE Select); coding-DNA position 96, C replaced by T.
Protein change: p.Asp32=; no amino-acid change (aspartic acid 32 retained).
Molecular consequence: synonymous variant.
Genome position (GRCh38, 1-based): chr18:74,631,115, C>T. VCF-style: chr18-74631115-C-T. GRCh37 (hg19) VCF-style: chr18-72343071-C-T.
Other names: c.96C>T, p.Asp32= (NM_001146189.1, NM_001146190.1, NM_001384475.1).
Identifiers: ClinVar variation 3053784 (VCV003053784.2), dbSNP rs375400480, ClinGen allele CA9000135.